The following is an entry in ClinVar:

NM_007294.4(BRCA1):c.5162del (p.Gln1721fs)

Gene: BRCA1 (BRCA1 DNA repair associated; minus strand). Cytogenetic location: 17q21.31.
Variant type: Deletion.
Coding change: c.5162del on transcript NM_007294.4 (MANE Select); coding-DNA position 5162, one base deleted (A; older notation c.5162delA).
Protein change: p.Gln1721fs; shifts the reading frame from glutamine 1721.
Molecular consequence: frameshift variant. On other transcripts: non-coding transcript variant (1).
Genome position (GRCh38, 1-based): chr17:43,063,364, T deleted on the plus strand (A on the coding strand, the reverse complement: BRCA1 is on the minus strand). VCF-style (leftmost placement, unchanged base first): chr17-43063363-CT-C. GRCh37 (hg19) VCF-style: chr17-41215380-CT-C.
Other names: 5281delA; c.5159delA, p.Gln1720Argfs (NM_001407611.1, NM_001407612.1, NM_001407613.1 and 17 more transcripts); c.5156delA, p.Gln1719Argfs (NM_001407627.1, NM_001407628.1, NM_001407629.1 and 14 more transcripts); c.5153delA, p.Gln1718Argfs (NM_001407644.1, NM_001407645.1); c.5150delA, p.Gln1717Argfs (NM_001407646.1); c.5147delA, p.Gln1716Argfs (NM_001407647.1); c.5105delA, p.Gln1702Argfs (NM_001407648.1); c.5102delA, p.Gln1701Argfs (NM_001407649.1); and 76 more; short protein forms Q1674fs, Q1721fs, Q1742fs, Q617fs.
Identifiers: ClinVar variation 55440 (VCV000055440.15), dbSNP rs397509233, ClinGen allele CA003316.

ClinVar aggregate classification (germline): Pathogenic. Review status: reviewed by expert panel (3 of 4 stars). 4 submissions from 4 submitters: Pathogenic (1). 3 of the submissions do not count toward it. Last evaluated 2016-10-18.

Conditions:
Familial cancer of breast. Also called: hereditary breast carcinoma; BREAST CANCER, FAMILIAL; Hereditary breast cancer. Identifiers: Orphanet 227535, MedGen C0346153, MONDO:0016419, OMIM 114480. Disease mechanism: loss of function.
Hereditary breast ovarian cancer syndrome. Also called: BRCA1- and BRCA2-Associated Hereditary Breast and Ovarian Cancer; Hereditary breast and ovarian cancer syndrome; Hereditary breast and ovarian cancer syndrome (HBOC); Breast and ovarian cancer; Hereditary breast and/or ovarian cancer syndrome; Hereditary breast and ovarian cancer. Identifiers: Orphanet 145, MedGen C0677776, MeSH D061325, MONDO:0003582. Disease mechanism: loss of function.
Breast-ovarian cancer, familial, susceptibility to, 1 (BROVCA1). Also called: BRCA1 Hereditary Breast and Ovarian Cancer; OVARIAN CANCER, SUSCEPTIBILITY TO. Identifiers: Orphanet 145, MedGen C2676676, MONDO:0011450, OMIM 604370. Disease mechanism: loss of function.

Submissions (4):

Evidence-based Network for the Interpretation of Germline Mutant Alleles (ENIGMA)
Classification: Pathogenic for Breast-ovarian cancer, familial, susceptibility to, 1. Last evaluated: 2016-10-18. Review status: reviewed by expert panel. Criteria: ENIGMA BRCA1/2 Classification Criteria (2015). Collection method: curation. Allele origin: germline.
Comment: Variant allele predicted to encode a truncated non-functional protein.

Department of Clinical Genetics, Copenhagen University Hospital, Rigshospitalet
Classification: Pathogenic for Familial cancer of breast. Last evaluated: 2025-12-10. Review status: criteria provided, single submitter. Criteria: ACMG Guidelines, 2015. Collection method: clinical testing. Allele origin: germline. Not counted in ClinVar's aggregate classification.
Comment: The following ACMG criteria has been used: PM2_SUP; PVS1; PM5_Strong (PTC)

Labcorp Genetics (formerly Invitae), Labcorp
Classification: Pathogenic for Hereditary breast ovarian cancer syndrome. Last evaluated: 2020-06-15. Review status: criteria provided, single submitter. Criteria: Invitae Variant Classification Sherloc (09022015). Collection method: clinical testing. Allele origin: germline. Not counted in ClinVar's aggregate classification.
Comment: This sequence change creates a premature translational stop signal (p.Gln1721Argfs*9) in the BRCA1 gene. It is expected to result in an absent or disrupted protein product. This variant is not present in population databases (ExAC no frequency). This variant has been observed in individual(s) with breast cancer (PMID: 21318380). ClinVar contains an entry for this variant (Variation ID: 55440). Loss-of-function variants in BRCA1 are known to be pathogenic (PMID: 20104584). For these reasons, this variant has been classified as Pathogenic.

Consortium of Investigators of Modifiers of BRCA1/2 (CIMBA), c/o University of Cambridge
Classification: Pathogenic for Breast-ovarian cancer, familial, susceptibility to, 1. Last evaluated: 2015-10-02. Review status: criteria provided, single submitter. Criteria: CIMBA Mutation Classification guidelines May 2016. Collection method: clinical testing. Allele origin: germline. Not counted in ClinVar's aggregate classification.

Literature cited by the submitters: PubMed 21318380 (cited by Department of Clinical Genetics, Copenhagen University Hospital, Rigshospitalet and Labcorp Genetics (formerly Invitae), Labcorp); PubMed 20104584 (cited by Labcorp Genetics (formerly Invitae), Labcorp).